The following is an entry in ClinVar:

NM_000193.4(SHH):c.1035_1037del (p.Tyr345_Ala346delinsTer)

Gene: SHH (sonic hedgehog signaling molecule; minus strand). Cytogenetic location: 7q36.3.
Variant type: Deletion.
Coding change: c.1035_1037del on transcript NM_000193.4 (MANE Select); coding-DNA positions 1035 to 1037, 3 bases deleted (CGC; older notation c.1035_1037delCGC).
Protein change: p.Tyr345_Ala346delinsTer.
Molecular consequence: nonsense. On other transcripts: intron variant (1).
Genome position (GRCh38, 1-based): chr7:155,803,252-155,803,254, GCG deleted on the plus strand (CGC on the coding strand, the reverse complement: SHH is on the minus strand). VCF-style (leftmost placement, unchanged base first): chr7-155803251-CGCG-C. GRCh37 (hg19) VCF-style: chr7-155595945-CGCG-C.
Other names: c.302-3009_302-3007del (NM_001310462.2).
Identifiers: ClinVar variation 3899028 (VCV003899028.1).

ClinVar aggregate classification (germline): Likely pathogenic (1 of 4 stars; one submission).

Submission:

GeneDx
Classification: Likely pathogenic. Last evaluated: 2024-11-07. Review status: criteria provided, single submitter. Criteria: GeneDx Variant Classification Process June 2021. Collection method: clinical testing. Allele origin: germline. Affected: yes.
Comment: Nonsense variant predicted to result in protein truncation or nonsense mediated decay in a gene for which loss of function is a known mechanism of disease; Not observed at significant frequency in large population cohorts (gnomAD); Has not been previously published as pathogenic or benign to our knowledge